The following is an entry in ClinVar:

ClinVar aggregate classification (germline): Uncertain significance. Review status: criteria provided, multiple submitters, no conflicts (2 of 4 stars). 2 submissions from 2 submitters: Uncertain significance (2). Last evaluated 2026-01-12.

Submissions (2):

Dasa
Classification: Uncertain significance. Last evaluated: 2026-01-12. Review status: criteria provided, single submitter. Criteria: DASA Assertion Criteria. Collection method: clinical testing. Allele origin: germline.
Comment: NM_001367721.1(CASK):c.1258C>T (p.Pro420Ser) is a missense variant that results in the substitution of proline with serine. This variant is rare in population databases. The currently available literature and clinical evidence are not sufficient to establish a definitive association between this variant and the reported condition. Therefore, this variant is classified as a variant of uncertain significance.

Mendelics
Classification: Uncertain significance. Last evaluated: 2022-05-04. Review status: criteria provided, single submitter. Criteria: Mendelics Assertion Criteria 2019. Collection method: clinical testing. Allele origin: germline.

NM_001367721.1(CASK):c.1258C>T (p.Pro420Ser)

Gene: CASK (calcium/calmodulin dependent serine protein kinase; minus strand). Cytogenetic location: Xp11.4.
Variant type: single nucleotide variant.
Coding change: c.1258C>T on transcript NM_001367721.1 (MANE Select); coding-DNA position 1258, C replaced by T.
Protein change: p.Pro420Ser; replaces proline 420 with serine.
Molecular consequence: missense variant.
Genome position (GRCh38, 1-based): chrX:41,586,963, G>A on the plus strand (C>T on the coding strand, the complement: CASK is on the minus strand). VCF-style: chrX-41586963-G-A. GRCh37 (hg19) VCF-style: chrX-41446216-G-A.
Other names: c.1258C>T, p.Pro420Ser (NM_001126054.3, NM_003688.4); c.1240C>T, p.Pro414Ser (NM_001126055.3, NM_001410745.1); short protein forms P414S, P420S.
Identifiers: ClinVar variation 1686541 (VCV001686541.3), dbSNP rs2065666644, ClinGen allele CA412999259.